The following is an entry in ClinVar:

ClinVar aggregate classification (germline): Uncertain significance. Review status: criteria provided, multiple submitters, no conflicts (2 of 4 stars). 2 submissions from 2 submitters: Uncertain significance (2). Last evaluated 2026-01-24.

Conditions:
Hepatic methionine adenosyltransferase deficiency. Also called: Methionine adenosyltransferase deficiency; MAT I/III DEFICIENCY; Deficiency of methionine adenosyltransferase; Isolated Persistent Hypermethioninemia. Identifiers: Orphanet 168598, MedGen C0268621, MeSH C564683, MONDO:0009607, OMIM 250850.

Submissions (2):

GeneDx
Classification: Uncertain significance. Last evaluated: 2026-01-24. Review status: criteria provided, single submitter. Criteria: GeneDx Variant Classification Process June 2021. Collection method: clinical testing. Allele origin: germline.
Comment: Not observed at significant frequency in large population cohorts (gnomAD); In silico analysis supports that this missense variant has a deleterious effect on protein structure/function; Has not been previously published as pathogenic or benign to our knowledge

Labcorp Genetics (formerly Invitae), Labcorp
Classification: Uncertain significance for Hepatic methionine adenosyltransferase deficiency. Last evaluated: 2023-10-10. Review status: criteria provided, single submitter. Criteria: Invitae Variant Classification Sherloc (09022015). Collection method: clinical testing. Allele origin: germline.
Comment: This sequence change replaces lysine, which is basic and polar, with arginine, which is basic and polar, at codon 289 of the MAT1A protein (p.Lys289Arg). This variant is not present in population databases (gnomAD no frequency). This variant has not been reported in the literature in individuals affected with MAT1A-related conditions. Advanced modeling of protein sequence and biophysical properties (such as structural, functional, and spatial information, amino acid conservation, physicochemical variation, residue mobility, and thermodynamic stability) has been performed at Invitae for this missense variant, however the output from this modeling did not meet the statistical confidence thresholds required to predict the impact of this variant on MAT1A protein function. In summary, the available evidence is currently insufficient to determine the role of this variant in disease. Therefore, it has been classified as a Variant of Uncertain Significance.

NM_000429.3(MAT1A):c.866A>G (p.Lys289Arg)

Gene: MAT1A (methionine adenosyltransferase 1A; minus strand). Cytogenetic location: 10q22.3.
Variant type: single nucleotide variant.
Coding change: c.866A>G on transcript NM_000429.3 (MANE Select); coding-DNA position 866, A replaced by G.
Protein change: p.Lys289Arg; replaces lysine 289 with arginine.
Molecular consequence: missense variant.
Genome position (GRCh38, 1-based): chr10:80,275,102, T>C on the plus strand (A>G on the coding strand, the complement: MAT1A is on the minus strand). VCF-style: chr10-80275102-T-C. GRCh37 (hg19) VCF-style: chr10-82034858-T-C.
Other names: c.866A>G (NM_000429.2); short protein forms K289R.
Identifiers: ClinVar variation 3004122 (VCV003004122.4), dbSNP rs2492486581, ClinGen allele CA377360707.
Genomic context (GRCh38, chr10:80,275,102, plus strand): 5'-CCTGCTTTCACCAGAGACTTGGCCACCCAGCGGGCAGCATATGCAGCTGAGCGGTCTACC[T>C]TGGTGTAGTCCTTCCCAGAGAAGGCCCCACCACCATGAGCCCCCCAGCCGCCATAGGTGT-3'
Protein context (NP_000420.1, residues 279-299): GGAFSGKDYT[Lys289Arg]VDRSAAYAAR